The following is an entry in ClinVar:

ClinVar aggregate classification (germline): Uncertain significance. Review status: criteria provided, multiple submitters, no conflicts (2 of 4 stars). 2 submissions from 2 submitters: Uncertain significance (2). Last evaluated 2024-03-05.

Conditions:
Inborn genetic diseases. Identifiers: MedGen C0950123, MeSH D030342.

Allele frequency attached by ClinVar (database versions not stated): gnomAD exomes below 0.00001.
gnomAD v4.1: 3 of 1,517,068 alleles (0.0002%); highest among the groups gnomAD compares: Non-Finnish European, 0.00026%; no homozygotes.

Submissions (2):

Ambry Genetics
Classification: Uncertain significance for Inborn genetic diseases. Last evaluated: 2024-03-05. Review status: criteria provided, single submitter. Criteria: Ambry Variant Classification Scheme 2023. Collection method: clinical testing. Allele origin: germline.

GeneDx
Classification: Uncertain significance. Last evaluated: 2020-02-25. Review status: criteria provided, single submitter. Criteria: GeneDx Variant Classification Process June 2021. Collection method: clinical testing. Allele origin: germline. Affected: yes.
Comment: Not observed in large population cohorts (Lek et al., 2016); In silico analysis supports that this missense variant has a deleterious effect on protein structure/function; Has not been previously published as pathogenic or benign to our knowledge

NM_170606.3(KMT2C):c.12845A>G (p.Asn4282Ser)

Gene: KMT2C (lysine methyltransferase 2C; minus strand). Cytogenetic location: 7q36.1.
Variant type: single nucleotide variant.
Coding change: c.12845A>G on transcript NM_170606.3 (MANE Select); coding-DNA position 12845, A replaced by G.
Protein change: p.Asn4282Ser; replaces asparagine 4282 with serine.
Molecular consequence: missense variant.
Genome position (GRCh38, 1-based): chr7:152,149,082, T>C on the plus strand (A>G on the coding strand, the complement: KMT2C is on the minus strand). VCF-style: chr7-152149082-T-C. GRCh37 (hg19) VCF-style: chr7-151846167-T-C.
Other names: short protein forms N4282S.
Identifiers: ClinVar variation 1315082 (VCV001315082.3), dbSNP rs2129095710, ClinGen allele CA370093949.